The following is an entry in ClinVar:

ClinVar aggregate classification (germline): Uncertain significance (1 of 4 stars; one submission).

Submission:

GeneDx
Classification: Uncertain significance. Last evaluated: 2023-05-14. Review status: criteria provided, single submitter. Criteria: GeneDx Variant Classification Process June 2021. Collection method: clinical testing. Allele origin: germline. Affected: yes.
Comment: Not observed at significant frequency in large population cohorts (gnomAD); Frameshift variant predicted to result in protein truncation or nonsense mediated decay in a gene for which loss-of-function is not a known mechanism of disease; Has not been previously published as pathogenic or benign to our knowledge

NM_001376.5(DYNC1H1):c.3622del (p.Trp1208fs)

Gene: DYNC1H1 (dynein cytoplasmic 1 heavy chain 1; plus strand). Cytogenetic location: 14q32.31.
Variant type: Deletion.
Coding change: c.3622del on transcript NM_001376.5 (MANE Select); coding-DNA position 3622, one base deleted (T; older notation c.3622delT).
Protein change: p.Trp1208fs; shifts the reading frame from tryptophan 1208.
Molecular consequence: frameshift variant.
Genome position (GRCh38, 1-based): chr14:101,997,092, T deleted. VCF-style (leftmost placement, unchanged base first): chr14-101997091-CT-C. GRCh37 (hg19) VCF-style: chr14-102463428-CT-C.
Other names: c.3622delT, p.Trp1208Glyfs (NM_001376.4); short protein forms W1208fs.
Identifiers: ClinVar variation 3343447 (VCV003343447.1).
Genomic context (GRCh38, chr14:101,997,091, plus strand): 5'-AAAGCTCTACCGCAATGGCCAGCGCTTACTGGAAAAGCAAAGGTTCCAGTTCCCACCTTC[CT>C]GGCTTTATATTGACAACATCGAGGGAGAGTGGGGAGCCTTCAATGACATCATGCGGCGAA-3'